The following is an entry in ClinVar:

NM_144596.4(TTC8):c.1363C>G (p.Gln455Glu)

Gene: TTC8 (tetratricopeptide repeat domain 8; plus strand). Cytogenetic location: 14q31.3.
Variant type: single nucleotide variant.
Coding change: c.1363C>G on transcript NM_144596.4 (MANE Select); coding-DNA position 1363, C replaced by G.
Protein change: p.Gln455Glu; replaces glutamine 455 with glutamic acid.
Molecular consequence: missense variant. On other transcripts: non-coding transcript variant (1), intron variant (2).
Genome position (GRCh38, 1-based): chr14:88,875,041, C>G. VCF-style: chr14-88875041-C-G. GRCh37 (hg19) VCF-style: chr14-89341385-C-G.
Other names: c.1411C>G, p.Gln471Glu (NM_001288781.1); c.769C>G, p.Gln257Glu (NM_001288782.1); c.646C>G, p.Gln216Glu (NM_001288783.1); c.1333C>G, p.Gln445Glu (NM_198309.3); c.1243C>G, p.Gln415Glu (NM_198310.3); c.1318-2253C>G (NM_001366535.2); c.1228-2253C>G (NM_001366536.2); short protein forms Q445E, Q415E, Q257E, Q471E, Q216E, Q455E.
Identifiers: ClinVar variation 839257 (VCV000839257.10), dbSNP rs773278542, ClinGen allele CA390553919.
Genomic context (GRCh38, chr14:88,875,041, plus strand): 5'-TGTTCATACGCCTTTGGTTTTTCTTTTCTTTATTTTTATACACAGGCAAGGGCACTATTA[C>G]AAACTGCATCATCATTAGCACCCCATATGTATGAACCGCATTTTAATTTTGCAACAATCT-3'
Protein context (NP_653197.2, residues 445-465): GHVEQARALL[Gln455Glu]TASSLAPHMY

ClinVar aggregate classification (germline): Uncertain significance. Review status: criteria provided, multiple submitters, no conflicts (2 of 4 stars). 2 submissions from 2 submitters: Uncertain significance (2). Last evaluated 2023-02-09.

Conditions:
Bardet-Biedl syndrome (BBS). Identifiers: Orphanet 110, MedGen C0752166, MONDO:0015229.

gnomAD v4.1: 1 of 1,612,432 alleles (0.000062%); highest among the groups gnomAD compares: Non-Finnish European, 0.000085%; no homozygotes.

Submissions (2):

Blueprint Genetics
Classification: Uncertain significance. Last evaluated: 2023-02-09. Review status: criteria provided, single submitter. Criteria: ACMG Guidelines, 2015. Collection method: clinical testing. Allele origin: germline.

Labcorp Genetics (formerly Invitae), Labcorp
Classification: Uncertain significance for Bardet-Biedl syndrome. Last evaluated: 2020-02-29. Review status: criteria provided, single submitter. Criteria: Invitae Variant Classification Sherloc (09022015). Collection method: clinical testing. Allele origin: germline.
Comment: This sequence change replaces glutamine with glutamic acid at codon 445 of the TTC8 protein (p.Gln445Glu). The glutamine residue is moderately conserved and there is a small physicochemical difference between glutamine and glutamic acid. This variant is not present in population databases (ExAC no frequency). This variant has not been reported in the literature in individuals with TTC8-related conditions. Algorithms developed to predict the effect of missense changes on protein structure and function (SIFT, PolyPhen-2, Align-GVGD) all suggest that this variant is likely to be tolerated, but these predictions have not been confirmed by published functional studies and their clinical significance is uncertain. In summary, the available evidence is currently insufficient to determine the role of this variant in disease. Therefore, it has been classified as a Variant of Uncertain Significance.